The following is an entry in ClinVar:

ClinVar aggregate classification (germline): Uncertain significance. Review status: criteria provided, single submitter (1 of 4 stars). 2 submissions from 2 submitters: Uncertain significance (1). 1 of the submissions does not count toward it. Last evaluated 2025-11-01.

Conditions:
BRD4-related disorder. Also called: BRD4-related condition.

Allele frequency attached by ClinVar (database versions not stated): gnomAD 0.00010.
gnomAD v4.1: 157 of 1,573,260 alleles (0.01%); highest among the groups gnomAD compares: Non-Finnish European, 0.013%; no homozygotes.

Submissions (2):

Labcorp Genetics (formerly Invitae), Labcorp
Classification: Uncertain significance. Last evaluated: 2025-11-01. Review status: criteria provided, single submitter. Criteria: Invitae Variant Classification Sherloc (09022015). Collection method: clinical testing. Allele origin: germline.
Comment: This sequence change replaces alanine, which is neutral and non-polar, with threonine, which is neutral and polar, at codon 855 of the BRD4 protein (p.Ala855Thr). The frequency data for this variant in the population databases is considered unreliable, as metrics indicate poor data quality at this position in the gnomAD database. This variant has not been reported in the literature in individuals affected with BRD4-related conditions. ClinVar contains an entry for this variant (Variation ID: 2176626). An algorithm developed to predict the effect of missense changes on protein structure and function outputs the following: PolyPhen-2: "Possibly Damaging". The threonine amino acid residue is found in multiple mammalian species, which suggests that this missense change does not adversely affect protein function. In summary, the available evidence is currently insufficient to determine the role of this variant in disease. Therefore, it has been classified as a Variant of Uncertain Significance.

PreventionGenetics, part of Exact Sciences
Classification: Uncertain significance for BRD4-related condition. Last evaluated: 2024-09-23. Review status: no assertion criteria provided. Collection method: clinical testing. Allele origin: germline. Not counted in ClinVar's aggregate classification.
Comment: The BRD4 c.2563G>A variant is predicted to result in the amino acid substitution p.Ala855Thr. To our knowledge, this variant has not been reported in the literature. This variant is reported in 0.0072% of alleles in individuals of European (Non-Finnish) descent in gnomAD. At this time, the clinical significance of this variant is uncertain due to the absence of conclusive functional and genetic evidence.

NM_001379291.1(BRD4):c.2563G>A (p.Ala855Thr)

Gene: BRD4 (bromodomain containing 4; minus strand). Cytogenetic location: 19p13.12.
Variant type: single nucleotide variant.
Coding change: c.2563G>A on transcript NM_001379291.1 (MANE Select); coding-DNA position 2563, G replaced by A.
Protein change: p.Ala855Thr; replaces alanine 855 with threonine.
Molecular consequence: missense variant.
Genome position (GRCh38, 1-based): chr19:15,244,249, C>T on the plus strand (G>A on the coding strand, the complement: BRD4 is on the minus strand). VCF-style: chr19-15244249-C-T. GRCh37 (hg19) VCF-style: chr19-15355060-C-T.
Other names: c.2563G>A, p.Ala855Thr (NM_058243.3); c.2563G>A (NM_058243.2); short protein forms A855T.
Identifiers: ClinVar variation 2176626 (VCV002176626.5), dbSNP rs199540579, ClinGen allele CA305790243.
Genomic context (GRCh38, chr19:15,244,249, plus strand): 5'-AGGAAGGGGTCTCAACCCACACTGGGGCAGGCCACGGCTCACCTGGAGGAGAGACCACTG[C>T]GTGCTGGTTGAGATGGGGTGGAGTGCTGTGCTCAGGCGGCTGGGGCAGGTGAGGGGGCAG-3'
Protein context (NP_001366220.1, residues 845-865): HSTPPHLNQH[Ala855Thr]VVSPPALHNA